The following is an entry in ClinVar:

ClinVar aggregate classification (germline): Uncertain significance (1 of 4 stars; one submission).

Submission:

Labcorp Genetics (formerly Invitae), Labcorp
Classification: Uncertain significance. Last evaluated: 2025-02-22. Review status: criteria provided, single submitter. Criteria: Invitae Variant Classification Sherloc (09022015). Collection method: clinical testing. Allele origin: germline.
Comment: This sequence change replaces glutamic acid, which is acidic and polar, with alanine, which is neutral and non-polar, at codon 213 of the IHH protein (p.Glu213Ala). This variant is not present in population databases (gnomAD no frequency). This variant has not been reported in the literature in individuals affected with IHH-related conditions. Invitae Evidence Modeling of protein sequence and biophysical properties (such as structural, functional, and spatial information, amino acid conservation, physicochemical variation, residue mobility, and thermodynamic stability) indicates that this missense variant is not expected to disrupt IHH protein function with a negative predictive value of 80%. In summary, the available evidence is currently insufficient to determine the role of this variant in disease. Therefore, it has been classified as a Variant of Uncertain Significance.

NM_002181.4(IHH):c.638A>C (p.Glu213Ala)

Gene: IHH (Indian hedgehog signaling molecule; minus strand). Cytogenetic location: 2q35.
Variant type: single nucleotide variant.
Coding change: c.638A>C on transcript NM_002181.4 (MANE Select); coding-DNA position 638, A replaced by C.
Protein change: p.Glu213Ala; replaces glutamic acid 213 with alanine.
Molecular consequence: missense variant.
Genome position (GRCh38, 1-based): chr2:219,055,805, T>G on the plus strand (A>C on the coding strand, the complement: IHH is on the minus strand). VCF-style: chr2-219055805-T-G. GRCh37 (hg19) VCF-style: chr2-219920527-T-G.
Other names: short protein forms E213A.
Identifiers: ClinVar variation 4707113 (VCV004707113.1).